The following is an entry in ClinVar:

ClinVar aggregate classification (germline): Uncertain significance (1 of 4 stars; one submission).

gnomAD v4.1: 2 of 1,614,220 alleles (0.00012%); highest among the groups gnomAD compares: Non-Finnish European, 0.00017%; no homozygotes.

Submission:

Labcorp Genetics (formerly Invitae), Labcorp
Classification: Uncertain significance. Last evaluated: 2024-09-11. Review status: criteria provided, single submitter. Criteria: Invitae Variant Classification Sherloc (09022015). Collection method: clinical testing. Allele origin: germline.
Comment: This sequence change replaces asparagine, which is neutral and polar, with tyrosine, which is neutral and polar, at codon 98 of the UGT1A1 protein (p.Asn98Tyr). This variant is not present in population databases (gnomAD no frequency). This variant has not been reported in the literature in individuals affected with UGT1A1-related conditions. An algorithm developed to predict the effect of missense changes on protein structure and function (PolyPhen-2) suggests that this variant is likely to be tolerated. In summary, the available evidence is currently insufficient to determine the role of this variant in disease. Therefore, it has been classified as a Variant of Uncertain Significance.

NM_000463.3(UGT1A1):c.292A>T (p.Asn98Tyr)

Genes: UGT1A (UDP glucuronosyltransferase family 1 member A complex locus; plus strand), UGT1A1 (UDP glucuronosyltransferase family 1 member A1; plus strand), UGT1A10 (UDP glucuronosyltransferase family 1 member A10; plus strand), UGT1A3 (UDP glucuronosyltransferase family 1 member A3; plus strand), UGT1A4 (UDP glucuronosyltransferase family 1 member A4; plus strand) and 5 more. Cytogenetic location: 2q37.1.
Variant type: single nucleotide variant.
Coding change: c.292A>T on transcript NM_000463.3 (MANE Select); coding-DNA position 292, A replaced by T.
Protein change: p.Asn98Tyr; replaces asparagine 98 with tyrosine.
Molecular consequence: missense variant. On other transcripts: intron variant (9).
Genome position (GRCh38, 1-based): chr2:233,760,579, A>T. VCF-style: chr2-233760579-A-T. GRCh37 (hg19) VCF-style: chr2-234669225-A-T.
Other names: c.856-6455A>T (NM_019076.5, NM_019075.4, NM_021027.3 and 1 more transcripts); c.61-6455A>T (NM_205862.3); c.862-6455A>T (NM_001072.4); c.868-6455A>T (NM_019078.2, NM_007120.3, NM_019093.4); short protein forms N98Y.
Identifiers: ClinVar variation 3729868 (VCV003729868.2).